The following is an entry in ClinVar:

NM_001364905.1(LRBA):c.1316A>G (p.Asn439Ser)

Gene: LRBA (LPS responsive beige-like anchor protein; minus strand). Cytogenetic location: 4q31.3.
Variant type: single nucleotide variant.
Coding change: c.1316A>G on transcript NM_001364905.1 (MANE Select); coding-DNA position 1316, A replaced by G.
Protein change: p.Asn439Ser; replaces asparagine 439 with serine.
Molecular consequence: missense variant.
Genome position (GRCh38, 1-based): chr4:150,908,703, T>C on the plus strand (A>G on the coding strand, the complement: LRBA is on the minus strand). VCF-style: chr4-150908703-T-C. GRCh37 (hg19) VCF-style: chr4-151829855-T-C.
Other names: c.1316A>G, p.Asn439Ser (NM_006726.5, NM_001199282.3, NM_001367550.1); short protein forms N439S.
Identifiers: ClinVar variation 439867 (VCV000439867.16), dbSNP rs572309256, ClinGen allele CA3103621.

ClinVar aggregate classification (germline): Uncertain significance. Review status: criteria provided, multiple submitters, no conflicts (2 of 4 stars). 3 submissions from 3 submitters: Uncertain significance (3). Last evaluated 2022-10-03.

Conditions:
Combined immunodeficiency due to LRBA deficiency. Also called: Common variable immunodeficiency 8, with autoimmunity. Identifiers: Orphanet 445018, MedGen C3553512, MONDO:0013863, OMIM 614700.

Allele frequency attached by ClinVar (database versions not stated): ExAC 0.00002; TOPMed 0.00003; gnomAD exomes 0.00006 and 0.00010; gnomAD 0.00007.
gnomAD v4.1: 160 of 1,613,828 alleles (0.0099%); highest among the groups gnomAD compares: Non-Finnish European, 0.013%; no homozygotes.

Submissions (3):

Labcorp Genetics (formerly Invitae), Labcorp
Classification: Uncertain significance for Combined immunodeficiency due to LRBA deficiency. Last evaluated: 2022-10-03. Review status: criteria provided, single submitter. Criteria: Invitae Variant Classification Sherloc (09022015). Collection method: clinical testing. Allele origin: germline.
Comment: This sequence change replaces asparagine, which is neutral and polar, with serine, which is neutral and polar, at codon 439 of the LRBA protein (p.Asn439Ser). This variant is present in population databases (rs572309256, gnomAD 0.01%). This variant has not been reported in the literature in individuals affected with LRBA-related conditions. ClinVar contains an entry for this variant (Variation ID: 439867). Advanced modeling of protein sequence and biophysical properties (such as structural, functional, and spatial information, amino acid conservation, physicochemical variation, residue mobility, and thermodynamic stability) performed at Invitae indicates that this missense variant is expected to disrupt LRBA protein function. In summary, the available evidence is currently insufficient to determine the role of this variant in disease. Therefore, it has been classified as a Variant of Uncertain Significance.

GeneDx
Classification: Uncertain significance. Last evaluated: 2019-08-12. Review status: criteria provided, single submitter. Criteria: GeneDx Variant Classification Process June 2021. Collection method: clinical testing. Allele origin: germline. Affected: yes.
Comment: Has not been previously published as pathogenic or benign to our knowledge; In silico analysis, which includes protein predictors and evolutionary conservation, supports a deleterious effect

ARUP Laboratories, Molecular Genetics and Genomics, ARUP Laboratories
Classification: Uncertain significance. Last evaluated: 2016-12-06. Review status: criteria provided, single submitter. Criteria: ARUP Molecular Germline Variant Investigation Process. Collection method: clinical testing. Allele origin: germline.